The following is an entry in ClinVar:

NM_022726.4(ELOVL4):c.699G>A (p.Thr233=)

Gene: ELOVL4 (ELOVL fatty acid elongase 4; minus strand). Cytogenetic location: 6q14.1.
Variant type: single nucleotide variant.
Coding change: c.699G>A on transcript NM_022726.4 (MANE Select); coding-DNA position 699, G replaced by A.
Protein change: p.Thr233=; no amino-acid change (threonine 233 retained).
Molecular consequence: synonymous variant.
Genome position (GRCh38, 1-based): chr6:79,916,854, C>T on the plus strand (G>A on the coding strand, the complement: ELOVL4 is on the minus strand). VCF-style: chr6-79916854-C-T. GRCh37 (hg19) VCF-style: chr6-80626571-C-T.
Identifiers: ClinVar variation 358146 (VCV000358146.20), dbSNP rs17853840, ClinGen allele CA3901470.

ClinVar aggregate classification (germline): Benign/Likely benign. Review status: criteria provided, multiple submitters, no conflicts (2 of 4 stars). 5 submissions from 5 submitters: Benign (3); Likely benign (2). Last evaluated 2025-12-17.

Conditions:
ELOVL4-related disorder. Also called: ELOVL4-related condition; ELOVL4-related disorders.
Stargardt disease 3. Also called: MACULAR DYSTROPHY WITH FLECKS, TYPE 3; STARGARDT-LIKE MACULAR DYSTROPHY, AUTOSOMAL DOMINANT. Identifiers: Orphanet 827, MedGen C1838644, MONDO:0010819, OMIM 600110.

Allele frequency attached by ClinVar (database versions not stated): ESP Exome Variant Server 0.00023; TOPMed 0.00026; gnomAD exomes 0.00048 and 0.00135; gnomAD 0.00073 and 0.00078; ExAC 0.00119; 1000 Genomes Project 30x 0.00203; 1000 Genomes Project 0.00220.
gnomAD v4.1: 833 of 1,614,064 alleles (0.052%); highest among the groups gnomAD compares: East Asian, 0.35%; no homozygotes.

Submissions (5):

Labcorp Genetics (formerly Invitae), Labcorp
Classification: Benign. Last evaluated: 2025-12-17. Review status: criteria provided, single submitter. Criteria: Invitae Variant Classification Sherloc (09022015). Collection method: clinical testing. Allele origin: germline.

Blueprint Genetics
Classification: Likely benign. Last evaluated: 2024-11-14. Review status: criteria provided, single submitter. Criteria: ACMG Guidelines, 2015. Collection method: clinical testing. Allele origin: germline.

PreventionGenetics, part of Exact Sciences
Classification: Benign for ELOVL4-related condition. Last evaluated: 2024-10-18. Review status: criteria provided, single submitter. Criteria: ACMG Guidelines, 2015. Collection method: clinical testing. Allele origin: germline.
Comment: This variant is classified as benign based on ACMG/AMP sequence variant interpretation guidelines (Richards et al. 2015 PMID: 25741868, with internal and published modifications).

Illumina Laboratory Services, Illumina
Classification: Likely benign for Stargardt disease 3. Last evaluated: 2017-04-27. Review status: criteria provided, single submitter. Criteria: ICSL Variant Classification Criteria 13 December 2019. Collection method: clinical testing. Allele origin: germline.
Comment: This variant was observed as part of a predisposition screen in an ostensibly healthy population. A literature search was performed for the gene, cDNA change, and amino acid change (where applicable). Publications were found based on this search. The evidence from the literature, in combination with allele frequency data from public databases where available, was sufficient to determine this variant is unlikely to cause disease. Therefore, this variant is classified as likely benign.

Eurofins Ntd Llc (ga)
Classification: Benign. Last evaluated: 2016-12-27. Review status: criteria provided, single submitter. Criteria: EGL Classification Definitions 2015. Collection method: clinical testing. Allele origin: germline. Observed: 1 variant allele, 1 heterozygote.

Literature cited by the submitters: PubMed 22948568 (cited by Illumina Laboratory Services, Illumina).